The following is an entry in ClinVar:

ClinVar aggregate classification (germline): Uncertain significance. Review status: criteria provided, multiple submitters, no conflicts (2 of 4 stars). 6 submissions from 6 submitters: Uncertain significance (5). 1 of the submissions does not count toward it. Last evaluated 2025-04-02.

Conditions:
SBF1-related disorder. Also called: SBF1-related condition.
Charcot-Marie-Tooth disease type 4B3. Also called: Charcot-Marie-Tooth Neuropathy Type 4B3; CHARCOT-MARIE-TOOTH DISEASE, DEMYELINATING, TYPE 4B3. Identifiers: Orphanet 363981, MedGen C3695063, MONDO:0014117, OMIM 615284.

gnomAD v4.1: 193 of 1,552,532 alleles (0.012%); highest among the groups gnomAD compares: Admixed American, 0.037%; no homozygotes.

Submissions (6):

Ambry Genetics
Classification: Uncertain significance. Last evaluated: 2025-04-02. Review status: criteria provided, single submitter. Criteria: Ambry Variant Classification Scheme 2023. Collection method: clinical testing. Allele origin: germline.

Labcorp Genetics (formerly Invitae), Labcorp
Classification: Uncertain significance. Last evaluated: 2024-10-22. Review status: criteria provided, single submitter. Criteria: Invitae Variant Classification Sherloc (09022015). Collection method: clinical testing. Allele origin: germline.
Comment: This sequence change replaces arginine, which is basic and polar, with serine, which is neutral and polar, at codon 208 of the SBF1 protein (p.Arg208Ser). This variant is present in population databases (rs777596406, gnomAD 0.04%). This variant has not been reported in the literature in individuals affected with SBF1-related conditions. ClinVar contains an entry for this variant (Variation ID: 1443177). Invitae Evidence Modeling of protein sequence and biophysical properties (such as structural, functional, and spatial information, amino acid conservation, physicochemical variation, residue mobility, and thermodynamic stability) indicates that this missense variant is not expected to disrupt SBF1 protein function with a negative predictive value of 80%. In summary, the available evidence is currently insufficient to determine the role of this variant in disease. Therefore, it has been classified as a Variant of Uncertain Significance.

ARUP Laboratories, Molecular Genetics and Genomics, ARUP Laboratories
Classification: Uncertain significance for Charcot-Marie-Tooth disease type 4B3. Last evaluated: 2023-05-26. Review status: criteria provided, single submitter. Criteria: ARUP Molecular Germline Variant Investigation Process 2024. Collection method: clinical testing. Allele origin: germline.
Comment: The SBF1 c.622C>A; p.Arg208Ser variant (rs777596406), to our knowledge, is not reported in the medical literature but is reported in ClinVar (Variation ID: 1443177). This variant is found in the general population with an overall allele frequency of 0.0101% (19/188,210 alleles) in the Genome Aggregation Database. Computational analyses predict that this variant is neutral (REVEL: 0.089). However, given the lack of clinical and functional data, the significance of this variant is uncertain at this time.

Blueprint Genetics
Classification: Uncertain significance. Last evaluated: 2023-03-03. Review status: criteria provided, single submitter. Criteria: ACMG Guidelines, 2015. Collection method: clinical testing. Allele origin: germline.

Breakthrough Genomics
Classification: Uncertain significance. Review status: criteria provided, single submitter. Criteria: ACMG Guidelines, 2015. Collection method: not provided. Allele origin: germline. Inheritance: Autosomal dominant inheritance. Affected: yes.

PreventionGenetics, part of Exact Sciences
Classification: Uncertain significance for SBF1-related condition. Last evaluated: 2024-05-22. Review status: no assertion criteria provided. Collection method: clinical testing. Allele origin: germline. Not counted in ClinVar's aggregate classification.
Comment: The SBF1 c.622C>A variant is predicted to result in the amino acid substitution p.Arg208Ser. To our knowledge, this variant has not been reported in the literature. This variant is reported in 0.034% of alleles in individuals of Ashkenazi Jewish descent in gnomAD. At this time, the clinical significance of this variant is uncertain due to the absence of conclusive functional and genetic evidence.

NM_002972.4(SBF1):c.622C>A (p.Arg208Ser)

Gene: SBF1 (SET binding factor 1; minus strand). Cytogenetic location: 22q13.33.
Variant type: single nucleotide variant.
Coding change: c.622C>A on transcript NM_002972.4 (MANE Select); coding-DNA position 622, C replaced by A.
Protein change: p.Arg208Ser; replaces arginine 208 with serine.
Molecular consequence: missense variant.
Genome position (GRCh38, 1-based): chr22:50,466,638, G>T on the plus strand (C>A on the coding strand, the complement: SBF1 is on the minus strand). VCF-style: chr22-50466638-G-T. GRCh37 (hg19) VCF-style: chr22-50905067-G-T.
Other names: c.622C>A (NM_002972.3, NM_002972.2); c.625C>A, p.Arg209Ser (NM_001365819.1); short protein forms R208S, R209S.
Identifiers: ClinVar variation 1443177 (VCV001443177.11), dbSNP rs777596406, ClinGen allele CA10318016.
Genomic context (GRCh38, chr22:50,466,638, plus strand): 5'-ATGCGGGGGTGGGACAGACAGGCTCACCTAGCTGGCGGAAGAGCAGGGCCACGCTGCAGC[G>T]GCTGACGGGCAGCGAGTCGGCCAGTGGAGTCTGGATGACCTGCCGGTCACCAGCCCCCAA-3'
Protein context (NP_002963.2, residues 198-218): TPLADSLPVS[Arg208Ser]CSVALLFRQL